The following is an entry in ClinVar:

NM_000257.4(MYH7):c.2770G>A (p.Glu924Lys)

Gene: MYH7 (myosin heavy chain 7; minus strand). Cytogenetic location: 14q11.2.
Variant type: single nucleotide variant.
Coding change: c.2770G>A on transcript NM_000257.4 (MANE Select); coding-DNA position 2770, G replaced by A.
Protein change: p.Glu924Lys; replaces glutamic acid 924 with lysine.
Molecular consequence: missense variant.
Genome position (GRCh38, 1-based): chr14:23,424,059, C>T on the plus strand (G>A on the coding strand, the complement: MYH7 is on the minus strand). VCF-style: chr14-23424059-C-T. GRCh37 (hg19) VCF-style: chr14-23893268-C-T.
Other names: p.E924K:GAG>AAG; short protein forms E924K.
Identifiers: ClinVar variation 14092 (VCV000014092.36), dbSNP rs121913628, ClinGen allele CA013034.

ClinVar aggregate classification (germline): Pathogenic/Likely pathogenic. Review status: criteria provided, multiple submitters, no conflicts (2 of 4 stars). 17 submissions from 17 submitters: Pathogenic (12); Likely pathogenic (2). 3 of the submissions do not count toward it. Last evaluated 2026-01-26.

Conditions:
MYH7-related disorder. Also called: MYH7-related disorders; MYH7-related condition; MYH7-related disease.
MYH7-related skeletal myopathy. Also called: Laing early-onset distal myopathy; Myopathy, distal, 1; MYOPATHY, DISTAL, EARLY-ONSET, AUTOSOMAL DOMINANT; MYOPATHY, LATE DISTAL HEREDITARY; Laing distal myopathy. Identifiers: Orphanet 59135, MedGen C4552004, MONDO:0008050, OMIM 160500.
Congenital myopathy with fiber type disproportion. Also called: Congenital fiber-type disproportion; Congenital fiber-type disproportion myopathy. Identifiers: Orphanet 2020, MedGen C0546264, MONDO:0009711. Inheritance: all.
Myopathy, myosin storage, autosomal recessive (CMYO7B). Also called: CONGENITAL MYOPATHY 7B, MYOSIN STORAGE, AUTOSOMAL RECESSIVE. Identifiers: Orphanet 636970, MedGen C1850709, MONDO:0009708, OMIM 255160.
Myosin storage myopathy (CMYO7A). Also called: MYOPATHY WITH LYSIS OF TYPE I MYOFIBRILS; Congenital myopathy 7A, myosin storage, autosomal dominant; MYH7-related late-onset scapuloperoneal muscular dystrophy; Scapuloperoneal myopathy, MYH7-related; MYOPATHY, HYALINE BODY, AUTOSOMAL DOMINANT; SCAPULOPERONEAL MUSCULAR DYSTROPHY. Identifiers: Orphanet 437572, Orphanet 636965, MedGen C1842160, MONDO:0008409, OMIM 608358.
Hypertrophic cardiomyopathy 1 (CMH1). Also called: MYH7-Related Familial Hypertrophic Cardiomyopathy; Familial hypertrophic cardiomyopathy 1. Identifiers: MedGen C3495498, MONDO:0008647, OMIM 192600.
Dilated cardiomyopathy 1S (CMD1S). Identifiers: Orphanet 154, Orphanet 54260, MedGen C1834481, MONDO:0013262, OMIM 613426.
Cardiovascular phenotype. Identifiers: MedGen CN230736.
Cardiomyopathy (CMYO). Also called: Cardiomyopathies. Identifiers: Orphanet 167848, MedGen C0878544, MONDO:0004994, HP:0001638. Inheritance: Various modes of inheritance.
Left ventricular noncompaction cardiomyopathy. Also called: left ventricular non-compaction cardiomyopathy. Identifiers: MedGen C4021133, HP:0011664.
Hypertrophic cardiomyopathy. Also called: HYPERTROPHIC MYOCARDIOPATHY. Identifiers: Orphanet 217569, MedGen C0007194, MeSH D002312, MONDO:0005045, HP:0001639.

Submissions 1 to 6 of 17:

3billion
Classification: Pathogenic for Hypertrophic cardiomyopathy 1. Last evaluated: 2026-01-26. Review status: criteria provided, single submitter. Criteria: ACMG Guidelines, 2015. Collection method: clinical testing. Allele origin: germline. Affected: yes.
Comment: The variant is not observed in the gnomAD v4.1.0 dataset. Predicted Consequence/Location: The variant is located in a mutational hot spot and/or well-established functional domain in which established pathogenic variants have been reported (PMID: 29300372). In silico tool predictions suggest damaging effect of the variant on gene or gene product [REVEL: 0.94 (>=0.6, sensitivity 0.68 and specificity 0.92); 3Cnet: 0.99 (> 0.75, sensitivity 0.96 and precision 0.92)]. The same nucleotide change resulting in the same amino acid change has been previously reported as pathogenic/likely pathogenic with strong evidence (ClinVar ID: VCV000014092 /PMID: 1552912 /3billion dataset). Different missense changes at the same codon (p.Glu924Asp, p.Glu924Gln, p.Glu924Gly) have been reported to be associated with MYH7-related disorder (ClinVar ID: VCV000560716 /PMID: 12974739, 31737537, 39411402). Therefore, this variant is classified as Pathogenic according to the recommendation of ACMG/AMP guideline.

Labcorp Genetics (formerly Invitae), Labcorp
Classification: Pathogenic for Hypertrophic cardiomyopathy. Last evaluated: 2025-12-20. Review status: criteria provided, single submitter. Criteria: Invitae Variant Classification Sherloc (09022015). Collection method: clinical testing. Allele origin: germline.
Comment: This sequence change replaces glutamic acid, which is acidic and polar, with lysine, which is basic and polar, at codon 924 of the MYH7 protein (p.Glu924Lys). This variant is not present in population databases (gnomAD no frequency). This missense change has been observed in individual(s) with hypertrophic cardiomyopathy (PMID: 1430197, 1552912, 12818575, 15358028, 15563892, 27247418). In at least one individual the variant was observed to be de novo. ClinVar contains an entry for this variant (Variation ID: 14092). Invitae Evidence Modeling of protein sequence and biophysical properties (such as structural, functional, and spatial information, amino acid conservation, physicochemical variation, residue mobility, and thermodynamic stability) indicates that this missense variant is expected to disrupt MYH7 protein function with a positive predictive value of 95%. Experimental studies have shown that this missense change affects MYH7 function (PMID: 10024460). This variant is found within a region of MYH7 between codons 181 and 937 that contains the majority of the myosin head domain. Missense variants in this region have been shown to be significantly overrepresented in individuals with hypertrophic cardiomyopathy (PMID: 27532257). For these reasons, this variant has been classified as Pathogenic.

Ambry Genetics
Classification: Pathogenic for Cardiovascular phenotype. Last evaluated: 2025-08-25. Review status: criteria provided, single submitter. Criteria: Ambry Variant Classification Scheme 2023. Collection method: clinical testing. Allele origin: germline.
Comment: The p.E924K pathogenic mutation (also known as c.2770G>A), located in coding exon 21 of the MYH7 gene, results from a G to A substitution at nucleotide position 2770. The glutamic acid at codon 924 is replaced by lysine, an amino acid with similar properties. This variant was identified in one or more individuals with features consistent with hypertrophic cardiomyopathy; in at least one individual, it was determined to be de novo (HCM) (Watkins H et al. J. Clin. Invest., 1992 Nov;90:1666-71; Morita H et al. N. Engl. J. Med., 2008 May;358:1899-908; Fokstuen S et al. Hum. Mutat., 2008 Jun;29:879-85; Santos S et al. BMC Med. Genet., 2012 Mar;13:17; Kapplinger JD et al. J Cardiovasc Transl Res. 2014;7(3):347-61; Lopes LR et al. Heart, 2015 Feb;101:294-301; Walsh R et al. Genet. Med., 2017 Feb;19:192-203) and it has segregated with disease in at least one family (Watkins H et al. J. Clin. Invest., 1992 Nov;90:1666-71; Liu WL et al. Zhonghua Xin Xue Guan Bing Za Zhi, 2006 Mar;34:202-7). In an assay testing MYH7 function, this variant showed a functionally indeterminant result (Gruen M. J. Mol. Biol. 1999 Feb;286:933-949). This amino acid position is highly conserved in available vertebrate species. In addition, this alteration is predicted to be deleterious by in silico analysis. This variant is considered to be rare based on population cohorts in the Genome Aggregation Database (gnomAD). Based on the supporting evidence, this alteration is interpreted as a disease-causing mutation.

PreventionGenetics, part of Exact Sciences
Classification: Pathogenic for MYH7-related condition. Last evaluated: 2024-12-19. Review status: criteria provided, single submitter. Criteria: ACMG Guidelines, 2015. Collection method: clinical testing. Allele origin: germline.
Comment: The MYH7 c.2770G>A variant is predicted to result in the amino acid substitution p.Glu924Lys. This variant was reported in numerous individuals with hypertrophic cardiomyopathy (Watkins et al. 1992. PubMed ID: 1552912; Dataset S1, Homburger et al. 2016. PubMed ID: 27247418; Jääskeläinen et al. 2019. PubMed ID: 30775854; Table S1, Norrish et al. 2019. PubMed ID: 31006259; Table S1A, Walsh et al. 2017. PubMed ID: 27532257; Table S2, Sepp et al. 2022. PubMed ID: 35626289; Table S9, Stava et al. 2022. PubMed ID: 35653365; Table S4, Bagnall et al. 2022. PubMed ID: 36252119). Functional studies showed that the p.Glu924Lys substitution impacts normal protein function (Gruen and Gautel. 1999. PubMed ID: 10024460; Singh et al. 2021. PubMed ID: 34051236). This variant has not been reported in a large population database, indicating this variant is rare. This variant is interpreted as pathogenic.

All of Us Research Program, National Institutes of Health
Classification: Pathogenic for Hypertrophic cardiomyopathy. Last evaluated: 2024-07-29. Review status: criteria provided, single submitter. Criteria: ACMG Guidelines, 2015. Collection method: clinical testing. Allele origin: germline. Inheritance: Autosomal dominant inheritance. Observed: 1 variant allele, 1 heterozygote.
Comment: This missense variant replaces glutamic acid with lysine at codon 924 of the MYH7 protein. Computational prediction tools indicate that this variant has a deleterious impact on protein structure and function. This variant is found within a highly conserved region of the myosin head domain. Missense variants in this region have been shown to be significantly overrepresented in individuals with affected with hypertrophic cardiomyopathy (PMID: 27532257). In vitro functional studies have shown that this variant causes disrupted binding to and interaction with cMyBP-C (PMID: 10024460, 34051236). This variant has been reported in more than 30 unrelated individuals affected with hypertrophic cardiomyopathy (PMID: 1430197, 12818575, 15358028, 15563892, 18403758, 18409188, 21425739, 22429680, 22455086, 22857948, 23711808, 24510615, 25611685, 27532257, 27885498, 28356264, 28408708, 28615295, 28790153, 30297972, 30775854, 31737537, 33495596, 33495597, 35026164). It has been shown that this variant segregates with disease in 6 affected individuals across 2 families (PMID: 1430197, 28615295). This variant has been reported to occur de novo in two affected individuals with unaffected family histories (PMID: 1430197, 18403758). This variant has also been reported in one individual affected with left ventricular noncompaction (PMID: 34540771) and in two individuals affected with dilated cardiomyopathy (PMID: 30650640, 35284542). In a study of two large cardiomyopathy cohorts, this variant was observed in 9 of total 6112 individuals affected with hypertrophic cardiomyopathy, while it was absent among 60,706 reference samples from the ExAC population database (PMID: 27532257). This variant has not been identified in the general population by the Genome Aggregation Database (gnomAD). Based on the available evidence, this variant is classified as Pathogenic.

This study involves interpretation of variants in research participants for the purpose of population health screening. Participant phenotype was not available at the time of variant classification. Additional details can be found in publication PMID: 35346344, PMCID: PMC8962531

Blueprint Genetics
Classification: Pathogenic for MYH7-related disorders. Last evaluated: 2023-11-23. Review status: criteria provided, single submitter. Criteria: ACMG Guidelines, 2015. Collection method: clinical testing. Allele origin: germline. Affected: yes. Observed: 4 variant alleles.